The following is an entry in ClinVar:

ClinVar aggregate classification (germline): Uncertain significance (1 of 4 stars; one submission).

Submission:

Labcorp Genetics (formerly Invitae), Labcorp
Classification: Uncertain significance. Last evaluated: 2023-12-07. Review status: criteria provided, single submitter. Criteria: Invitae Variant Classification Sherloc (09022015). Collection method: clinical testing. Allele origin: germline.
Comment: This sequence change replaces leucine, which is neutral and non-polar, with isoleucine, which is neutral and non-polar, at codon 1260 of the SAMD9L protein (p.Leu1260Ile). This variant is not present in population databases (gnomAD no frequency). This variant has not been reported in the literature in individuals affected with SAMD9L-related conditions. Advanced modeling of protein sequence and biophysical properties (such as structural, functional, and spatial information, amino acid conservation, physicochemical variation, residue mobility, and thermodynamic stability) performed at Invitae indicates that this missense variant is not expected to disrupt SAMD9L protein function with a negative predictive value of 80%. In summary, the available evidence is currently insufficient to determine the role of this variant in disease. Therefore, it has been classified as a Variant of Uncertain Significance.

NM_152703.5(SAMD9L):c.3778T>A (p.Leu1260Ile)

Gene: SAMD9L (sterile alpha motif domain containing 9 like; minus strand). Cytogenetic location: 7q21.2.
Variant type: single nucleotide variant.
Coding change: c.3778T>A on transcript NM_152703.5 (MANE Select); coding-DNA position 3778, T replaced by A.
Protein change: p.Leu1260Ile; replaces leucine 1260 with isoleucine.
Molecular consequence: missense variant.
Genome position (GRCh38, 1-based): chr7:93,132,194, A>T on the plus strand (T>A on the coding strand, the complement: SAMD9L is on the minus strand). VCF-style: chr7-93132194-A-T. GRCh37 (hg19) VCF-style: chr7-92761507-A-T.
Other names: c.3778T>A, p.Leu1260Ile (NM_001303498.3, NM_001303500.3, NM_001350082.2 and 5 more transcripts); short protein forms L1260I.
Identifiers: ClinVar variation 2701353 (VCV002701353.3), dbSNP rs1562788189, ClinGen allele CA368180081.